The following is an entry in ClinVar:

ClinVar aggregate classification (germline): Conflicting classifications of pathogenicity. Review status: criteria provided, conflicting classifications (1 of 4 stars). 4 submissions from 4 submitters: Uncertain significance (1); Likely benign (3). Last evaluated 2025-07-06.

Conditions:
Deafness-encephaloneuropathy-obesity-valvulopathy syndrome. Identifiers: Orphanet 254898, MedGen C3553354, MONDO:0013837, OMIM 614651.

Allele frequency attached by ClinVar (database versions not stated): TOPMed 0.00002; gnomAD exomes 0.00011 and 0.00016; ExAC 0.00025.
gnomAD v4.1: 158 of 1,609,826 alleles (0.0098%); highest among the groups gnomAD compares: South Asian, 0.065%; 1 homozygote.

Submissions (4):

Labcorp Genetics (formerly Invitae), Labcorp
Classification: Likely benign. Last evaluated: 2025-07-06. Review status: criteria provided, single submitter. Criteria: Invitae Variant Classification Sherloc (09022015). Collection method: clinical testing. Allele origin: germline.

CeGaT Center for Human Genetics Tuebingen
Classification: Likely benign. Last evaluated: 2023-08-01. Review status: criteria provided, single submitter. Criteria: CeGaT Center For Human Genetics Tuebingen Variant Classification Criteria Version 2. Collection method: clinical testing. Allele origin: germline. Affected: yes. Observed: 1 variant allele.
Comment: PDSS1: BP4, BP7

Illumina Laboratory Services, Illumina
Classification: Uncertain significance for Deafness-encephaloneuropathy-obesity-valvulopathy syndrome. Last evaluated: 2018-01-12. Review status: criteria provided, single submitter. Criteria: ICSL Variant Classification Criteria 13 December 2019. Collection method: clinical testing. Allele origin: germline.

GeneDx
Classification: Likely benign. Last evaluated: 2016-07-22. Review status: criteria provided, single submitter. Criteria: GeneDx Variant Classification (06012015). Collection method: clinical testing. Allele origin: germline. Affected: yes.
Comment: This variant is considered likely benign or benign based on one or more of the following criteria: it is a conservative change, it occurs at a poorly conserved position in the protein, it is predicted to be benign by multiple in silico algorithms, and/or has population frequency not consistent with disease.

NM_014317.5(PDSS1):c.243C>T (p.Thr81=)

Gene: PDSS1 (decaprenyl diphosphate synthase subunit 1; plus strand). Cytogenetic location: 10p12.1.
Variant type: single nucleotide variant.
Coding change: c.243C>T on transcript NM_014317.5 (MANE Select); coding-DNA position 243, C replaced by T.
Protein change: p.Thr81=; no amino-acid change (threonine 81 retained).
Molecular consequence: synonymous variant. On other transcripts: 5 prime UTR variant (1).
Genome position (GRCh38, 1-based): chr10:26,705,301, C>T. VCF-style: chr10-26705301-C-T. GRCh37 (hg19) VCF-style: chr10-26994230-C-T.
Other names: c.243C>T, p.Thr81= (NM_001321978.2); c.-351C>T (NM_001321979.2).
Identifiers: ClinVar variation 299697 (VCV000299697.37), dbSNP rs762902803, ClinGen allele CA5446889.